The following is an entry in ClinVar:

NM_000202.8(IDS):c.805_808dup (p.Ile270fs)

Genes: IDS (iduronate 2-sulfatase; minus strand), LOC106050102 (IDS recombination region; plus strand). Cytogenetic location: Xq28.
Variant type: Duplication.
Coding change: c.805_808dup on transcript NM_000202.8 (MANE Select); coding-DNA positions 805 to 808, 4 bases duplicated (GACA; older notation c.805_808dupGACA).
Protein change: p.Ile270fs; shifts the reading frame from isoleucine 270.
Molecular consequence: frameshift variant. On other transcripts: non-coding transcript variant (1).
Genome position (GRCh38, 1-based): chrX:149,496,417-149,496,420, TGTC duplicated on the plus strand (GACA on the coding strand, the reverse complement: IDS is on the minus strand). VCF-style (leftmost placement, unchanged base first): chrX-149496416-A-ATGTC. GRCh37 (hg19) VCF-style: chrX-148577947-A-ATGTC.
Other names: c.535_538dup, p.Ile180fs (NM_001166550.4); c.805_808dup, p.Ile270fs (NM_006123.5); short protein forms I180fs, I270fs.
Identifiers: ClinVar variation 3255851 (VCV003255851.2).

ClinVar aggregate classification (germline): Pathogenic (1 of 4 stars; one submission).

Conditions:
Mucopolysaccharidosis, MPS-II (MPS2). Also called: Hunter Syndrome; IDURONATE 2-SULFATASE DEFICIENCY; Mucopolysaccharidosis Type II; Mucopolysaccharidosis type 2; Attenuated MPS (subtype; formerly known as mild MPS II); Severe MPS II. Identifiers: Orphanet 580, Orphanet 79388, MedGen C0026705, MONDO:0010674, OMIM 309900.

Submission:

Laboratory of Diagnosis and Therapy of Lysosomal Disorders, University of Padova
Classification: Pathogenic for Mucopolysaccharidosis, MPS-II. Last evaluated: 2024-06-07. Review status: criteria provided, single submitter. Criteria: ACMG Guidelines, 2015. Collection method: literature only. Allele origin: germline. Affected: yes. Observed: 1 variant allele.
Comment: Null variant (PVS1_VeryStrong), Absent from controls (or at low frequency) in gnomAD database (PM2_Moderate), Patient’s phenotype or family history highly specific for the disease (PP4_Moderate)

Classification method: ACMG Guidelines [PMID:25741868] with modifications

Literature cited by the submitters: PubMed 24125893.